The following is an entry in ClinVar:

NC_000011.9:g.(?_68201050)_(68201326_?)del

Gene: LRP5 (LDL receptor related protein 5; plus strand). Cytogenetic location: 11q13.2.
Variant type: Deletion.
Identifiers: ClinVar variation 3244743 (VCV003244743.1).

ClinVar aggregate classification (germline): Pathogenic (1 of 4 stars; one submission).

Submission:

Labcorp Genetics (formerly Invitae), Labcorp
Classification: Pathogenic. Last evaluated: 2023-08-22. Review status: criteria provided, single submitter. Criteria: Invitae Variant Classification Sherloc (09022015). Collection method: clinical testing. Allele origin: unknown.
Comment: For these reasons, this variant has been classified as Pathogenic. This variant disrupts a region of the LRP5 protein in which other variant(s) (p.Asp1288Gly) have been determined to be pathogenic (PMID: 30283887, 33939331). This suggests that this is a clinically significant region of the protein, and that variants that disrupt it are likely to be disease-causing. This variant has not been reported in the literature in individuals affected with LRP5-related conditions. This variant is a gross deletion of the genomic region encompassing exon(s) 18 of the LRP5 gene. This variant would be expected to be in-frame, preserving the integrity of the reading frame.

Literature cited by the submitters: PubMed 30283887; PubMed 33939331.